The following is an entry in ClinVar:

NM_001130144.3(LTBP3):c.466C>A (p.Pro156Thr)

Gene: LTBP3 (latent transforming growth factor beta binding protein 3; minus strand). Cytogenetic location: 11q13.1.
Variant type: single nucleotide variant.
Coding change: c.466C>A on transcript NM_001130144.3 (MANE Select); coding-DNA position 466, C replaced by A.
Protein change: p.Pro156Thr; replaces proline 156 with threonine.
Molecular consequence: missense variant.
Genome position (GRCh38, 1-based): chr11:65,554,246, G>T on the plus strand (C>A on the coding strand, the complement: LTBP3 is on the minus strand). VCF-style: chr11-65554246-G-T. GRCh37 (hg19) VCF-style: chr11-65321717-G-T.
Other names: c.115C>A, p.Pro39Thr (NM_001164266.1); c.466C>A, p.Pro156Thr (NM_021070.4); short protein forms P156T, P39T.
Identifiers: ClinVar variation 1720909 (VCV001720909.6), dbSNP rs2496178207, ClinGen allele CA381276565.
Genomic context (GRCh38, chr11:65,554,246, plus strand): 5'-CCTCCGGAGCCAGGGGCGGCAGCGCCCCTGTGGACAGGGCCCCTGTCCTGCTCAGGCCGG[G>T]GCCTGAGCCGCCGGTACCCCCACCGGCTCCTCCTGCGGGCACCTGGCAGAAGCGCCCAGT-3'
Protein context (NP_001123616.1, residues 146-166): GAGGGTGGSG[Pro156Thr]GLSRTGALST

ClinVar aggregate classification (germline): Uncertain significance (1 of 4 stars; one submission).

Conditions:
Brachyolmia-amelogenesis imperfecta syndrome. Also called: PLATYSPONDYLY WITH AMELOGENESIS IMPERFECTA; Tooth agenesis, selective, 6; Dental anomalies and short stature. Identifiers: Orphanet 2899, MedGen C1832594, MONDO:0011018, OMIM 601216. Disease mechanism: loss of function.

Submission:

Labcorp Genetics (formerly Invitae), Labcorp
Classification: Uncertain significance for Brachyolmia-amelogenesis imperfecta syndrome. Last evaluated: 2022-07-21. Review status: criteria provided, single submitter. Criteria: Invitae Variant Classification Sherloc (09022015). Collection method: clinical testing. Allele origin: germline.
Comment: Algorithms developed to predict the effect of missense changes on protein structure and function are either unavailable or do not agree on the potential impact of this missense change (SIFT: "Tolerated"; PolyPhen-2: "Probably Damaging"; Align-GVGD: "Class C0"). This variant has not been reported in the literature in individuals affected with LTBP3-related conditions. This variant is not present in population databases (gnomAD no frequency). This sequence change replaces proline, which is neutral and non-polar, with threonine, which is neutral and polar, at codon 156 of the LTBP3 protein (p.Pro156Thr). In summary, the available evidence is currently insufficient to determine the role of this variant in disease. Therefore, it has been classified as a Variant of Uncertain Significance.